The following is an entry in ClinVar:

ClinVar aggregate classification (germline): Uncertain significance (1 of 4 stars; one submission).

Allele frequency attached by ClinVar (database versions not stated): TOPMed below 0.00001.

Submission:

Labcorp Genetics (formerly Invitae), Labcorp
Classification: Uncertain significance. Last evaluated: 2023-09-05. Review status: criteria provided, single submitter. Criteria: Invitae Variant Classification Sherloc (09022015). Collection method: clinical testing. Allele origin: germline.
Comment: This sequence change replaces glutamic acid, which is acidic and polar, with alanine, which is neutral and non-polar, at codon 474 of the FN1 protein (p.Glu474Ala). This variant is not present in population databases (gnomAD no frequency). This variant has not been reported in the literature in individuals affected with FN1-related conditions. Advanced modeling of protein sequence and biophysical properties (such as structural, functional, and spatial information, amino acid conservation, physicochemical variation, residue mobility, and thermodynamic stability) performed at Invitae indicates that this missense variant is not expected to disrupt FN1 protein function. In summary, the available evidence is currently insufficient to determine the role of this variant in disease. Therefore, it has been classified as a Variant of Uncertain Significance.

NM_212482.4(FN1):c.1421A>C (p.Glu474Ala)

Gene: FN1 (fibronectin 1; minus strand). Cytogenetic location: 2q35.
Variant type: single nucleotide variant.
Coding change: c.1421A>C on transcript NM_212482.4 (MANE Select); coding-DNA position 1421, A replaced by C.
Protein change: p.Glu474Ala; replaces glutamic acid 474 with alanine.
Molecular consequence: missense variant.
Genome position (GRCh38, 1-based): chr2:215,422,216, T>G on the plus strand (A>C on the coding strand, the complement: FN1 is on the minus strand). VCF-style: chr2-215422216-T-G. GRCh37 (hg19) VCF-style: chr2-216286939-T-G.
Other names: c.1421A>C, p.Glu474Ala (NM_001365524.2, NM_002026.4, NM_212478.3 and 14 more transcripts); short protein forms E474A.
Identifiers: ClinVar variation 2747451 (VCV002747451.3), dbSNP rs2064523055, ClinGen allele CA350469444.
Genomic context (GRCh38, chr2:215,422,216, plus strand): 5'-ATCATGTGACCCATGTCATGCTGCTTATCCCACTGATCTCCAATGCGGTACATGACCCCT[T>G]CATTGGTTGTGCAGATTTCCTCGTGGGCTGTTTGGAAATGGATAAGAAATGCACTTGATA-3'
Protein context (NP_997647.2, residues 464-484): AAHEEICTTN[Glu474Ala]GVMYRIGDQW